The following is an entry in ClinVar:

NM_005321.3(H1-4):c.148G>T (p.Ala50Ser)

Gene: H1-4 (H1.4 linker histone, cluster member; plus strand). Cytogenetic location: 6p22.2.
Variant type: single nucleotide variant.
Coding change: c.148G>T on transcript NM_005321.3 (MANE Select); coding-DNA position 148, G replaced by T.
Protein change: p.Ala50Ser; replaces alanine 50 with serine.
Molecular consequence: missense variant.
Genome position (GRCh38, 1-based): chr6:26,156,538, G>T. VCF-style: chr6-26156538-G-T. GRCh37 (hg19) VCF-style: chr6-26156766-G-T.
Other names: short protein forms A50S.
Identifiers: ClinVar variation 1680528 (VCV001680528.6), dbSNP rs769917587, ClinGen allele CA3667934.

ClinVar aggregate classification (germline): Uncertain significance (1 of 4 stars; one submission).

Submission:

Labcorp Genetics (formerly Invitae), Labcorp
Classification: Uncertain significance. Last evaluated: 2021-12-02. Review status: criteria provided, single submitter. Criteria: Invitae Variant Classification Sherloc (09022015). Collection method: clinical testing. Allele origin: germline.
Comment: This sequence change replaces alanine, which is neutral and non-polar, with serine, which is neutral and polar, at codon 50 of the HIST1H1E protein (p.Ala50Ser). This variant is present in population databases (rs769917587, gnomAD 0.003%). This variant has not been reported in the literature in individuals affected with HIST1H1E-related conditions. Algorithms developed to predict the effect of missense changes on protein structure and function are either unavailable or do not agree on the potential impact of this missense change (SIFT: "Tolerated"; PolyPhen-2: "Possibly Damaging"; Align-GVGD: "Class C0"). In summary, the available evidence is currently insufficient to determine the role of this variant in disease. Therefore, it has been classified as a Variant of Uncertain Significance.